The following is an entry in ClinVar:

ClinVar aggregate classification (germline): Likely benign. Review status: criteria provided, multiple submitters, no conflicts (2 of 4 stars). 3 submissions from 3 submitters: Likely benign (3). Last evaluated 2025-08-30.

Conditions:
Hereditary breast ovarian cancer syndrome. Also called: Hereditary breast and ovarian cancer syndrome; Breast and ovarian cancer; Hereditary breast and ovarian cancer syndrome (HBOC); Hereditary breast and/or ovarian cancer syndrome; BRCA1- and BRCA2-Associated Hereditary Breast and Ovarian Cancer; Hereditary breast and ovarian cancer. Identifiers: Orphanet 145, MedGen C0677776, MeSH D061325, MONDO:0003582. Disease mechanism: loss of function.

Submissions (4):

Labcorp Genetics (formerly Invitae), Labcorp
Classification: Likely benign for Hereditary breast ovarian cancer syndrome. Last evaluated: 2025-08-30. Review status: criteria provided, single submitter. Criteria: Invitae Variant Classification Sherloc (09022015). Collection method: clinical testing. Allele origin: germline.

Women's Health and Genetics/Laboratory Corporation of America, LabCorp
Classification: Likely benign. Last evaluated: 2022-06-17. Review status: criteria provided, single submitter. Criteria: LabCorp Variant Classification Summary - May 2015. Collection method: clinical testing. Allele origin: germline.
Comment: Variant summary: BRCA1 c.5153-11G>T alters a conserved nucleotide located close to a canonical splice site and therefore could affect mRNA splicing, leading to a significantly altered protein sequence. 4/4 computational tools predict no significant impact on normal splicing. However, these predictions have yet to be confirmed by functional studies. The variant was absent in 250598 control chromosomes. The available data on variant occurrences in the general population are insufficient to allow any conclusion about variant significance. To our knowledge, no occurrence of c.5153-11G>T in individuals affected with Hereditary Breast And Ovarian Cancer Syndrome. At least one functional study reports experimental evidence evaluating an impact on protein function and showed no damaging effect of this variant on homology directed repair (HDR) activity (e.g. Findlay_2018). HDR assays qualify as a recognized gold standard on the basis of updated guidance provided by the ClinGen Sequence Variant Interpretation (SVI) working group. Two clinical diagnostic laboratories have submitted clinical-significance assessments for this variant to ClinVar after 2014 without evidence for independent evaluation. Both laboratories classified the variant as likely benign. Based on the evidence outlined above, the variant was classified as likely benign.

GeneDx
Classification: Likely benign. Last evaluated: 2016-11-17. Review status: criteria provided, single submitter. Criteria: GeneDx Variant Classification (06012015). Collection method: clinical testing. Allele origin: germline. Affected: yes.
Comment: This variant is considered likely benign or benign based on one or more of the following criteria: it is a conservative change, it occurs at a poorly conserved position in the protein, it is predicted to be benign by multiple in silico algorithms, and/or has population frequency not consistent with disease.

Brotman Baty Institute, University of Washington
No classification provided (evidence only). Condition: Breast-ovarian cancer, familial 1. Review status: no classification provided. Collection method: in vitro. Allele origin: not applicable. Functional consequence: functionally_normal. Not counted in ClinVar's aggregate classification.
ClinVar note: "not provided" was previously submitted as the classification for the variant. However, the classification appeared to be based only on an observation of functional data so it was converted to no classification on 2025-07-30.

Literature cited by the submitters: PubMed 30209399 (cited by Women's Health and Genetics/Laboratory Corporation of America, LabCorp).

NM_007294.4(BRCA1):c.5153-11G>T

Gene: BRCA1 (BRCA1 DNA repair associated; minus strand). Cytogenetic location: 17q21.31.
Variant type: single nucleotide variant.
Coding change: c.5153-11G>T on transcript NM_007294.4 (MANE Select); 11 bases into the intron before coding-DNA position 5153, G replaced by T.
Molecular consequence: intron variant.
Genome position (GRCh38, 1-based): chr17:43,063,384, C>A on the plus strand (G>T on the coding strand, the complement: BRCA1 is on the minus strand). VCF-style: chr17-43063384-C-A. GRCh37 (hg19) VCF-style: chr17-41215401-C-A.
Other names: c.1700-11G>T (NM_001408458.1, NM_001408461.1, NM_001408464.1 and 7 more transcripts); c.4262-11G>T (NM_001407967.1); c.4772-11G>T (NM_001407959.1); c.4886-11G>T (NM_001407931.1, NM_001407932.1, NM_001407928.1 and 4 more transcripts); c.5009-11G>T (NM_001407747.1, NM_001407745.1, NM_001407737.1 and 21 more transcripts); c.4769-11G>T (NM_001407962.1, NM_001407960.1); c.1340-11G>T (NM_001408512.1); c.1463-11G>T (NM_001408510.1); and 72 more.
Identifiers: ClinVar variation 383564 (VCV000383564.13), dbSNP rs1057521674, ClinGen allele CA16607659.